The following is an entry in ClinVar:

NM_002439.5(MSH3):c.1042A>C (p.Ile348Leu)

Gene: MSH3 (mutS homolog 3; plus strand). Cytogenetic location: 5q14.1.
Variant type: single nucleotide variant.
Coding change: c.1042A>C on transcript NM_002439.5 (MANE Select); coding-DNA position 1042, A replaced by C.
Protein change: p.Ile348Leu; replaces isoleucine 348 with leucine.
Molecular consequence: missense variant.
Genome position (GRCh38, 1-based): chr5:80,674,997, A>C. VCF-style: chr5-80674997-A-C. GRCh37 (hg19) VCF-style: chr5-79970816-A-C.
Other names: c.1042A>C (NM_002439.3); short protein forms I348L.
Identifiers: ClinVar variation 1037088 (VCV001037088.7), dbSNP rs1470780981, ClinGen allele CA360267865.

ClinVar aggregate classification (germline): Uncertain significance. Review status: criteria provided, multiple submitters, no conflicts (2 of 4 stars). 2 submissions from 2 submitters: Uncertain significance (2). Last evaluated 2026-05-21.

Conditions:
Hereditary cancer-predisposing syndrome. Also called: Hereditary neoplastic syndrome; Neoplastic Syndromes, Hereditary; Tumor predisposition; Hereditary Cancer Syndrome. Identifiers: Orphanet 140162, MedGen C0027672, MeSH D009386, MONDO:0015356.

Submissions (2):

Ambry Genetics
Classification: Uncertain significance for Hereditary cancer-predisposing syndrome. Last evaluated: 2026-05-21. Review status: criteria provided, single submitter. Criteria: Ambry Variant Classification Scheme 2023. Collection method: clinical testing. Allele origin: germline.
Comment: The p.I348L variant (also known as c.1042A>C), located in coding exon 7 of the MSH3 gene, results from an A to C substitution at nucleotide position 1042. The isoleucine at codon 348 is replaced by leucine, an amino acid with highly similar properties. This amino acid position is conserved. In addition, this alteration is predicted to be tolerated by in silico analysis. Based on the available evidence, the clinical significance of this variant remains unclear.

Labcorp Genetics (formerly Invitae), Labcorp
Classification: Uncertain significance. Last evaluated: 2023-09-09. Review status: criteria provided, single submitter. Criteria: Invitae Variant Classification Sherloc (09022015). Collection method: clinical testing. Allele origin: germline.
Comment: This sequence change replaces isoleucine, which is neutral and non-polar, with leucine, which is neutral and non-polar, at codon 348 of the MSH3 protein (p.Ile348Leu). This variant is not present in population databases (gnomAD no frequency). This variant has not been reported in the literature in individuals affected with MSH3-related conditions. ClinVar contains an entry for this variant (Variation ID: 1037088). An algorithm developed to predict the effect of missense changes on protein structure and function (PolyPhen-2) suggests that this variant is likely to be tolerated. In summary, the available evidence is currently insufficient to determine the role of this variant in disease. Therefore, it has been classified as a Variant of Uncertain Significance.